The following is an entry in ClinVar:

NM_006206.6(PDGFRA):c.1864A>C (p.Met622Leu)

Gene: PDGFRA (platelet derived growth factor receptor alpha; plus strand). Cytogenetic location: 4q12.
Variant type: single nucleotide variant.
Coding change: c.1864A>C on transcript NM_006206.6 (MANE Select); coding-DNA position 1864, A replaced by C.
Protein change: p.Met622Leu; replaces methionine 622 with leucine.
Molecular consequence: missense variant.
Genome position (GRCh38, 1-based): chr4:54,277,465, A>C. VCF-style: chr4-54277465-A-C. GRCh37 (hg19) VCF-style: chr4-55143632-A-C.
Other names: c.1864A>C, p.Met622Leu (NM_001347827.2, NM_001347829.2); c.1939A>C, p.Met647Leu (NM_001347828.2); c.1903A>C, p.Met635Leu (NM_001347830.2); short protein forms M622L, M635L, M647L.
Identifiers: ClinVar variation 1350947 (VCV001350947.8), dbSNP rs774507815, ClinGen allele CA356893485.

ClinVar aggregate classification (germline): Uncertain significance (1 of 4 stars; one submission).

Conditions:
Gastrointestinal stromal tumor. Also called: Gastrointestinal stroma tumor; Gastrointestinal stromal tumor, somatic. Identifiers: Orphanet 44890, MedGen C0238198, MeSH D046152, MONDO:0011719, OMIM 606764, HP:0100723.

gnomAD v4.1: 1 of 1,613,848 alleles (0.000062%); highest among the groups gnomAD compares: Non-Finnish European, 0.000085%; no homozygotes.

Submission:

Labcorp Genetics (formerly Invitae), Labcorp
Classification: Uncertain significance for Gastrointestinal stromal tumor. Last evaluated: 2026-01-19. Review status: criteria provided, single submitter. Criteria: Invitae Variant Classification Sherloc (09022015). Collection method: clinical testing. Allele origin: germline.
Comment: This sequence change replaces methionine, which is neutral and non-polar, with leucine, which is neutral and non-polar, at codon 622 of the PDGFRA protein (p.Met622Leu). This variant is not present in population databases (gnomAD no frequency). This variant has not been reported in the literature in individuals affected with PDGFRA-related conditions. ClinVar contains an entry for this variant (Variation ID: 1350947). Invitae Evidence Modeling of protein sequence and biophysical properties (such as structural, functional, and spatial information, amino acid conservation, physicochemical variation, residue mobility, and thermodynamic stability) indicates that this missense variant is not expected to disrupt PDGFRA protein function with a negative predictive value of 80%. In summary, the available evidence is currently insufficient to determine the role of this variant in disease. Therefore, it has been classified as a Variant of Uncertain Significance.